The following is an entry in ClinVar:

NM_000174.5(GP9):c.450G>A (p.Trp150Ter)

Gene: GP9 (glycoprotein IX platelet; plus strand). Cytogenetic location: 3q21.3.
Variant type: single nucleotide variant.
Coding change: c.450G>A on transcript NM_000174.5 (MANE Select); coding-DNA position 450, G replaced by A.
Protein change: p.Trp150Ter; replaces tryptophan 150 with a stop codon.
Molecular consequence: nonsense.
Genome position (GRCh38, 1-based): chr3:129,062,189, G>A. VCF-style: chr3-129062189-G-A. GRCh37 (hg19) VCF-style: chr3-128781032-G-A.
Other names: NM_000174.5:c.450G>A; short protein forms W150*.
Identifiers: ClinVar variation 4088263 (VCV004088263.1).

ClinVar aggregate classification (germline): Likely pathogenic (3 of 4 stars; one submission).

Conditions:
Bernard Soulier syndrome (BSS). Also called: GLYCOPROTEIN Ib, PLATELET, DEFICIENCY OF; PLATELET GLYCOPROTEIN Ib DEFICIENCY; VON WILLEBRAND FACTOR RECEPTOR DEFICIENCY; Giant platelet syndrome; Hemorrhagiparous thrombocytic dystrophy; Giant platelet disease. Identifiers: Orphanet 274, MedGen C0005129, MeSH D001606, MONDO:0009276, OMIM 231200.

Submission:

ClinGen Platelet Disorders Variant Curation Expert Panel, ClinGen
Classification: Likely pathogenic for Bernard Soulier syndrome. Last evaluated: 2025-05-01. Review status: reviewed by expert panel. Criteria: ClinGen Platelet ACMG Specifications GP9 V1.0.0. Collection method: curation. Allele origin: germline. Inheritance: Autosomal recessive inheritance.
Comment: The c.450G>A (p.Trp150Ter) variant in GP9 is a nonsense variant that may cause loss of function of the protein, however it is predicted to escape nonsense mediated decay and remove 15% of the protein (PVS1_Strong). This variant is absent from gnomAD v4.1 (PM2_Supporting). At least one patient (Case in PMID: 20497174) with this variant had aggregation absent for ristocetin and present for all other agonists, which is highly specific for Bernard-Soulier syndrome (PP4). Surface expression of GP1BA and GP9 were absent. Additionally, the patient had excessive mucocutaneous bleeding and macrothrombocytopenia which is consistent with Bernard-Soulier syndrome. This individual was homozygous for the variant (PM3_supporting, PMID:20497174). In PMID: 20497174, all 12 older siblings of the proband (III:1) died of bleeding but were not genotyped, there are several known heterozygous family members: the mother (II:3) and older cousin (III:2) had decreased expression of GP9 and GPP1BA (PP1). In summary, this variant meets the criteria to be classified as Likely Pathogenic for autosomal recessive Bernard-Soulier syndrome based on the ACMG/AMP criteria applied, as specified by the ClinGen PD VCEP: PVS1_strong, PM2_supporting, PP4, PP1, PM3_supporting.